The following is an entry in ClinVar:

ClinVar aggregate classification (germline): Uncertain significance (1 of 4 stars; one submission).

Submission:

Labcorp Genetics (formerly Invitae), Labcorp
Classification: Uncertain significance. Last evaluated: 2023-11-15. Review status: criteria provided, single submitter. Criteria: Invitae Variant Classification Sherloc (09022015). Collection method: clinical testing. Allele origin: germline.
Comment: This sequence change replaces glutamine, which is neutral and polar, with arginine, which is basic and polar, at codon 87 of the WNT5A protein (p.Gln87Arg). This variant is not present in population databases (gnomAD no frequency). This variant has not been reported in the literature in individuals affected with WNT5A-related conditions. Advanced modeling of protein sequence and biophysical properties (such as structural, functional, and spatial information, amino acid conservation, physicochemical variation, residue mobility, and thermodynamic stability) performed at Invitae indicates that this missense variant is not expected to disrupt WNT5A protein function with a negative predictive value of 80%. In summary, the available evidence is currently insufficient to determine the role of this variant in disease. Therefore, it has been classified as a Variant of Uncertain Significance.

NM_003392.7(WNT5A):c.260A>G (p.Gln87Arg)

Gene: WNT5A (Wnt family member 5A; minus strand). Cytogenetic location: 3p14.3.
Variant type: single nucleotide variant.
Coding change: c.260A>G on transcript NM_003392.7 (MANE Select); coding-DNA position 260, A replaced by G.
Protein change: p.Gln87Arg; replaces glutamine 87 with arginine.
Molecular consequence: missense variant.
Genome position (GRCh38, 1-based): chr3:55,479,445, T>C on the plus strand (A>G on the coding strand, the complement: WNT5A is on the minus strand). VCF-style: chr3-55479445-T-C. GRCh37 (hg19) VCF-style: chr3-55513473-T-C.
Other names: c.215A>G, p.Gln72Arg (NM_001256105.1, NM_001377271.1, NM_001377272.1); short protein forms Q72R, Q87R.
Identifiers: ClinVar variation 2696188 (VCV002696188.3), dbSNP rs2471316335, ClinGen allele CA353267329.
Genomic context (GRCh38, chr3:55,479,445, plus strand): 5'-TGATACTGGCATTCTTTGATGCCTGTCTTCGCGCCTTCTCCGATGTACTGCATGTGGTCC[T>C]GATACAAGTGGCACAGTTTCTTCTGTCCTTGAGAAAGTCCTGCCAGTTGGCTGCAGAGAG-3'
Protein context (NP_003383.4, residues 77-97): QGQKKLCHLY[Gln87Arg]DHMQYIGEGA